The following is an entry in ClinVar:

NM_001394062.1(MACF1):c.1461G>C (p.Gln487His)

Gene: MACF1 (microtubule actin crosslinking factor 1; plus strand). Cytogenetic location: 1p34.3.
Variant type: single nucleotide variant.
Coding change: c.1461G>C on transcript NM_001394062.1 (MANE Select); coding-DNA position 1461, G replaced by C.
Protein change: p.Gln487His; replaces glutamine 487 with histidine.
Molecular consequence: missense variant.
Genome position (GRCh38, 1-based): chr1:39,285,711, G>C. VCF-style: chr1-39285711-G-C. GRCh37 (hg19) VCF-style: chr1-39751383-G-C.
Other names: c.1476G>C, p.Gln492His (NM_012090.5); short protein forms Q487H, Q492H.
Identifiers: ClinVar variation 2577729 (VCV002577729.1), dbSNP rs750820901, ClinGen allele CA339758499.

ClinVar aggregate classification (germline): Uncertain significance (1 of 4 stars; one submission).

Submission:

GeneDx
Classification: Uncertain significance. Last evaluated: 2023-02-22. Review status: criteria provided, single submitter. Criteria: GeneDx Variant Classification Process June 2021. Collection method: clinical testing. Allele origin: germline. Affected: yes.
Comment: Not observed at significant frequency in large population cohorts (gnomAD); In silico analysis supports that this missense variant has a deleterious effect on protein structure/function; Has not been previously published as pathogenic or benign to our knowledge